The following is an entry in ClinVar:

ClinVar aggregate classification (germline): Uncertain significance (1 of 4 stars; one submission).

Conditions:
Hereditary cancer-predisposing syndrome. Also called: Hereditary Cancer Syndrome; Neoplastic Syndromes, Hereditary; Tumor predisposition; Hereditary neoplastic syndrome. Identifiers: Orphanet 140162, MedGen C0027672, MeSH D009386, MONDO:0015356.

Submission:

Color Diagnostics, LLC DBA Color Health
Classification: Uncertain significance for Hereditary cancer-predisposing syndrome. Last evaluated: 2023-12-05. Review status: criteria provided, single submitter. Criteria: ACMG Guidelines, 2015. Collection method: clinical testing. Allele origin: germline.
Comment: This missense variant replaces tryptophan with cysteine at codon 777 of the MSH6 protein. Computational prediction suggests that this variant may have deleterious impact on protein structure and function (internally defined REVEL score threshold >= 0.7, PMID: 27666373). To our knowledge, functional studies have not been reported for this variant. This variant has not been reported in individuals affected with MSH6-related disorders in the literature. This variant has not been identified in the general population by the Genome Aggregation Database (gnomAD). The available evidence is insufficient to determine the role of this variant in disease conclusively. Therefore, this variant is classified as a Variant of Uncertain Significance.

NM_000179.3(MSH6):c.2331G>C (p.Trp777Cys)

Gene: MSH6 (mutS homolog 6; plus strand). Cytogenetic location: 2p16.3.
Variant type: single nucleotide variant.
Coding change: c.2331G>C on transcript NM_000179.3 (MANE Select); coding-DNA position 2331, G replaced by C.
Protein change: p.Trp777Cys; replaces tryptophan 777 with cysteine.
Molecular consequence: missense variant.
Genome position (GRCh38, 1-based): chr2:47,800,314, G>C. VCF-style: chr2-47800314-G-C. GRCh37 (hg19) VCF-style: chr2-48027453-G-C.
Other names: c.1941G>C, p.Trp647Cys (NM_001281492.2); c.1425G>C, p.Trp475Cys (NM_001281493.2, NM_001281494.2); short protein forms W777C, W475C, W647C.
Identifiers: ClinVar variation 489980 (VCV000489980.6), dbSNP rs876660037, ClinGen allele CA346753361.